The following is an entry in ClinVar:

ClinVar aggregate classification (germline): Uncertain significance (1 of 4 stars; one submission).

Conditions:
Hereditary breast ovarian cancer syndrome. Also called: Hereditary breast and ovarian cancer syndrome (HBOC); Hereditary breast and ovarian cancer; Breast and ovarian cancer; Hereditary breast and/or ovarian cancer syndrome; BRCA1- and BRCA2-Associated Hereditary Breast and Ovarian Cancer; Hereditary breast and ovarian cancer syndrome. Identifiers: Orphanet 145, MedGen C0677776, MeSH D061325, MONDO:0003582. Disease mechanism: loss of function.

Submission:

Labcorp Genetics (formerly Invitae), Labcorp
Classification: Uncertain significance for Hereditary breast ovarian cancer syndrome. Last evaluated: 2025-03-18. Review status: criteria provided, single submitter. Criteria: Invitae Variant Classification Sherloc (09022015). Collection method: clinical testing. Allele origin: germline.
Comment: This sequence change replaces histidine, which is basic and polar, with arginine, which is basic and polar, at codon 1141 of the BRCA1 protein (p.His1141Arg). This variant is not present in population databases (gnomAD no frequency). This variant has not been reported in the literature in individuals affected with BRCA1-related conditions. Invitae Evidence Modeling of protein sequence and biophysical properties (such as structural, functional, and spatial information, amino acid conservation, physicochemical variation, residue mobility, and thermodynamic stability) indicates that this missense variant is not expected to disrupt BRCA1 protein function with a negative predictive value of 80%. In summary, the available evidence is currently insufficient to determine the role of this variant in disease. Therefore, it has been classified as a Variant of Uncertain Significance.

NM_007294.4(BRCA1):c.3422A>G (p.His1141Arg)

Genes: BRCA1 (BRCA1 DNA repair associated; minus strand), LOC126862571 (BRD4-independent group 4 enhancer GRCh37_chr17:41243136-41244335; plus strand). Cytogenetic location: 17q21.31.
Variant type: single nucleotide variant.
Coding change: c.3422A>G on transcript NM_007294.4 (MANE Select); coding-DNA position 3422, A replaced by G.
Protein change: p.His1141Arg; replaces histidine 1141 with arginine.
Molecular consequence: missense variant. On other transcripts: intron variant (135).
Genome position (GRCh38, 1-based): chr17:43,092,109, T>C on the plus strand (A>G on the coding strand, the complement: BRCA1 is on the minus strand). VCF-style: chr17-43092109-T-C. GRCh37 (hg19) VCF-style: chr17-41244126-T-C.
Other names: c.3086A>G, p.His1029Arg (NM_001407955.1, NM_001407956.1, NM_001407958.1 and 1 more transcripts); c.3089A>G, p.His1030Arg (NM_001407957.1, NM_001407946.1, NM_001407947.1 and 6 more transcripts); c.3041A>G, p.His1014Arg (NM_001407959.1, NM_001407960.1, NM_001407963.1); c.3038A>G, p.His1013Arg (NM_001407962.1); c.3278A>G, p.His1093Arg (NM_001407964.1, NM_001407740.1, NM_001407741.1 and 20 more transcripts); c.2918A>G, p.His973Arg (NM_001407965.1); c.2534A>G, p.His845Arg (NM_001407966.1, NM_001407967.1); c.818A>G, p.His273Arg (NM_001407968.1, NM_001407969.1); and 41 more; short protein forms H1013R, H1014R, H1029R, H1030R, H1052R, H1053R, H1070R, H1071R.
Identifiers: ClinVar variation 4800836 (VCV004800836.1).